The following is an entry in ClinVar:

ClinVar aggregate classification (germline): Uncertain significance (1 of 4 stars; one submission).

Conditions:
Naxos disease (NXD). Also called: CARDIOMYOPATHY, ARRHYTHMOGENIC RIGHT VENTRICULAR, WITH SKIN, HAIR, AND NAIL ABNORMALITIES; KERATOSIS PALMOPLANTARIS WITH ARRHYTHMOGENIC CARDIOMYOPATHY; MAL DE NAXOS; PALMOPLANTAR KERATODERMA WITH ARRHYTHMOGENIC RIGHT VENTRICULAR CARDIOMYOPATHY AND WOOLLY HAIR; WOOLLY HAIR, PALMOPLANTAR KERATODERMA, AND CARDIAC ABNORMALITIES. Identifiers: Orphanet 34217, MedGen C1832600, MONDO:0011017, OMIM 601214.
Arrhythmogenic right ventricular dysplasia 12. Also called: ARRHYTHMOGENIC RIGHT VENTRICULAR DYSPLASIA, FAMILIAL, 12. Identifiers: MedGen C1969081, MONDO:0012684, OMIM 611528.

Allele frequency attached by ClinVar (database versions not stated): gnomAD exomes 0.00001; TOPMed 0.00001; ExAC 0.00002; gnomAD 0.00003; 1000 Genomes Project 0.00080; 1000 Genomes Project 30x 0.00094.
gnomAD v4.1: 9 of 1,614,158 alleles (0.00056%); highest among the groups gnomAD compares: Admixed American, 0.015%; no homozygotes.

Submission:

Labcorp Genetics (formerly Invitae), Labcorp
Classification: Uncertain significance for Arrhythmogenic right ventricular dysplasia 12; Naxos disease. Last evaluated: 2025-09-14. Review status: criteria provided, single submitter. Criteria: Invitae Variant Classification Sherloc (09022015). Collection method: clinical testing. Allele origin: germline.
Comment: This sequence change replaces valine, which is neutral and non-polar, with methionine, which is neutral and non-polar, at codon 334 of the JUP protein (p.Val334Met). This variant is present in population databases (rs201434935, gnomAD 0.009%). This variant has not been reported in the literature in individuals affected with JUP-related conditions. ClinVar contains an entry for this variant (Variation ID: 2948163). An algorithm developed to predict the effect of missense changes on protein structure and function (PolyPhen-2) suggests that this variant is likely to be disruptive. In summary, the available evidence is currently insufficient to determine the role of this variant in disease. Therefore, it has been classified as a Variant of Uncertain Significance.

NM_002230.4(JUP):c.1000G>A (p.Val334Met)

Gene: JUP (junction plakoglobin; minus strand). Cytogenetic location: 17q21.2.
Variant type: single nucleotide variant.
Coding change: c.1000G>A on transcript NM_002230.4 (MANE Select); coding-DNA position 1000, G replaced by A.
Protein change: p.Val334Met; replaces valine 334 with methionine.
Molecular consequence: missense variant.
Genome position (GRCh38, 1-based): chr17:41,764,977, C>T on the plus strand (G>A on the coding strand, the complement: JUP is on the minus strand). VCF-style: chr17-41764977-C-T. GRCh37 (hg19) VCF-style: chr17-39921229-C-T.
Other names: c.1000G>A, p.Val334Met (NM_001352773.2, NM_001352774.2, NM_001352775.2 and 3 more transcripts); short protein forms V334M.
Identifiers: ClinVar variation 2948163 (VCV002948163.3), dbSNP rs201434935, ClinGen allele CA8565320.